The following is an entry in ClinVar:

NM_014989.7(RIMS1):c.1219G>A (p.Gly407Ser)

Gene: RIMS1 (regulating synaptic membrane exocytosis 1; plus strand). Cytogenetic location: 6q13.
Variant type: single nucleotide variant.
Coding change: c.1219G>A on transcript NM_014989.7 (MANE Select); coding-DNA position 1219, G replaced by A.
Protein change: p.Gly407Ser; replaces glycine 407 with serine.
Molecular consequence: missense variant.
Genome position (GRCh38, 1-based): chr6:72,182,690, G>A. VCF-style: chr6-72182690-G-A. GRCh37 (hg19) VCF-style: chr6-72892393-G-A.
Other names: short protein forms G407S.
Identifiers: ClinVar variation 3014189 (VCV003014189.3), dbSNP rs756705041, ClinGen allele CA141417522.
Genomic context (GRCh38, chr6:72,182,690, plus strand): 5'-GAGCGGCGCCACAGCGACGTGGCGCTCCCGCGCACCGAGGCGGGCGCGGCGCTGCCGGAG[G>A]GCAAGGCCGGCAAACGCGCGCCGGCGGCAGCCAGGGCCTCGCCGCCGGACTCGCCGCGGG-3'
Protein context (NP_055804.2, residues 397-417): RTEAGAALPE[Gly407Ser]KAGKRAPAAA

ClinVar aggregate classification (germline): Uncertain significance (1 of 4 stars; one submission).

Allele frequency attached by ClinVar (database versions not stated): gnomAD 0.00001.
gnomAD v4.1: 6 of 1,500,712 alleles (0.0004%); highest among the groups gnomAD compares: Non-Finnish European, 0.00053%; no homozygotes.

Submission:

Labcorp Genetics (formerly Invitae), Labcorp
Classification: Uncertain significance. Last evaluated: 2023-10-02. Review status: criteria provided, single submitter. Criteria: Invitae Variant Classification Sherloc (09022015). Collection method: clinical testing. Allele origin: germline.
Comment: This sequence change replaces glycine, which is neutral and non-polar, with serine, which is neutral and polar, at codon 407 of the RIMS1 protein (p.Gly407Ser). This variant is not present in population databases (gnomAD no frequency). This variant has not been reported in the literature in individuals affected with RIMS1-related conditions. Algorithms developed to predict the effect of missense changes on protein structure and function output the following: SIFT: "Not Available"; PolyPhen-2: "Benign"; Align-GVGD: "Not Available". The serine amino acid residue is found in multiple mammalian species, which suggests that this missense change does not adversely affect protein function. In summary, the available evidence is currently insufficient to determine the role of this variant in disease. Therefore, it has been classified as a Variant of Uncertain Significance.